The following is an entry in ClinVar:

ClinVar aggregate classification (germline): Uncertain significance (1 of 4 stars; one submission).

Allele frequency attached by ClinVar (database versions not stated): TOPMed 0.00002; ExAC 0.00003; gnomAD 0.00003; gnomAD exomes 0.00003.
gnomAD v4.1: 49 of 1,602,274 alleles (0.0031%); highest among the groups gnomAD compares: South Asian, 0.024%; no homozygotes.

Submission:

Labcorp Genetics (formerly Invitae), Labcorp
Classification: Uncertain significance. Last evaluated: 2022-07-09. Review status: criteria provided, single submitter. Criteria: Invitae Variant Classification Sherloc (09022015). Collection method: clinical testing. Allele origin: germline.
Comment: This sequence change replaces arginine, which is basic and polar, with glutamine, which is neutral and polar, at codon 632 of the RIN2 protein (p.Arg632Gln). This variant is present in population databases (rs761472829, gnomAD 0.02%). This variant has not been reported in the literature in individuals affected with RIN2-related conditions. Algorithms developed to predict the effect of missense changes on protein structure and function are either unavailable or do not agree on the potential impact of this missense change (SIFT: "Tolerated"; PolyPhen-2: "Not Available"; Align-GVGD: "Class C0"). In summary, the available evidence is currently insufficient to determine the role of this variant in disease. Therefore, it has been classified as a Variant of Uncertain Significance.

NM_018993.4(RIN2):c.1895G>A (p.Arg632Gln)

Gene: RIN2 (Ras and Rab interactor 2; plus strand). Cytogenetic location: 20p11.23.
Variant type: single nucleotide variant.
Coding change: c.1895G>A on transcript NM_018993.4 (MANE Select); coding-DNA position 1895, G replaced by A.
Protein change: p.Arg632Gln; replaces arginine 632 with glutamine.
Molecular consequence: missense variant.
Genome position (GRCh38, 1-based): chr20:19,990,138, G>A. VCF-style: chr20-19990138-G-A. GRCh37 (hg19) VCF-style: chr20-19970782-G-A.
Other names: c.2042G>A, p.Arg681Gln (NM_001242581.2); c.1277G>A, p.Arg426Gln (NM_001378238.1); short protein forms R426Q, R681Q, R632Q.
Identifiers: ClinVar variation 1959618 (VCV001959618.4), dbSNP rs761472829, ClinGen allele CA9780166.